The following is an entry in ClinVar:

NC_000009.11:g.(?_108368857)_(108370242_?)del

Gene: FKTN (fukutin; plus strand). Cytogenetic location: 9q31.2.
Variant type: Deletion.
Identifiers: ClinVar variation 3245099 (VCV003245099.1).

ClinVar aggregate classification (germline): Pathogenic (1 of 4 stars; one submission).

Conditions:
Walker-Warburg congenital muscular dystrophy. Also called: Muscular dystrophy-dystroglycanopathy, type A; Walker-Warburg syndrome. Identifiers: Orphanet 899, MedGen C0265221, MONDO:0000171.

Submission:

Labcorp Genetics (formerly Invitae), Labcorp
Classification: Pathogenic for Walker-Warburg congenital muscular dystrophy. Last evaluated: 2022-10-28. Review status: criteria provided, single submitter. Criteria: Invitae Variant Classification Sherloc (09022015). Collection method: clinical testing. Allele origin: unknown.
Comment: This variant has not been reported in the literature in individuals affected with FKTN-related conditions. For these reasons, this variant has been classified as Pathogenic. This variant is a gross deletion of the genomic region encompassing exon(s) 7 of the FKTN gene. This deletion is out-of-frame, and is expected to create a premature termination codon and result in an absent or disrupted protein product. Loss-of-function variants in FKTN are known to be pathogenic (PMID: 17044012, 17878207, 18752264).

Literature cited by the submitters: PubMed 17044012; PubMed 17878207; PubMed 18752264.